The following is an entry in ClinVar:

NM_007348.4(ATF6):c.1237A>C (p.Asn413His)

Gene: ATF6 (activating transcription factor 6; plus strand). Cytogenetic location: 1q23.3.
Variant type: single nucleotide variant.
Coding change: c.1237A>C on transcript NM_007348.4 (MANE Select); coding-DNA position 1237, A replaced by C.
Protein change: p.Asn413His; replaces asparagine 413 with histidine.
Molecular consequence: missense variant.
Genome position (GRCh38, 1-based): chr1:161,846,498, A>C. VCF-style: chr1-161846498-A-C. GRCh37 (hg19) VCF-style: chr1-161816288-A-C.
Other names: short protein forms N413H.
Identifiers: ClinVar variation 1352268 (VCV001352268.8), dbSNP rs763231015, ClinGen allele CA1214413.

ClinVar aggregate classification (germline): Uncertain significance (1 of 4 stars; one submission).

Allele frequency attached by ClinVar (database versions not stated): TOPMed below 0.00001.
gnomAD v4.1: 6 of 1,611,450 alleles (0.00037%); highest among the groups gnomAD compares: East Asian, 0.0067%; no homozygotes.

Submission:

Labcorp Genetics (formerly Invitae), Labcorp
Classification: Uncertain significance. Last evaluated: 2021-06-28. Review status: criteria provided, single submitter. Criteria: Invitae Variant Classification Sherloc (09022015). Collection method: clinical testing. Allele origin: germline.
Comment: This variant is present in population databases (rs763231015, ExAC 0.02%). This sequence change replaces asparagine with histidine at codon 413 of the ATF6 protein (p.Asn413His). The asparagine residue is moderately conserved and there is a small physicochemical difference between asparagine and histidine. In summary, the available evidence is currently insufficient to determine the role of this variant in disease. Therefore, it has been classified as a Variant of Uncertain Significance. Algorithms developed to predict the effect of missense changes on protein structure and function output the following: SIFT: "Tolerated"; PolyPhen-2: "Benign"; Align-GVGD: "Class C0". The histidine amino acid residue is found in multiple mammalian species, suggesting that this missense change does not adversely affect protein function. These predictions have not been confirmed by published functional studies and their clinical significance is uncertain. This variant has not been reported in the literature in individuals with ATF6-related conditions.